The following is an entry in ClinVar:

NM_014991.6(WDFY3):c.2098C>G (p.Pro700Ala)

Genes: WDFY3 (WD repeat and FYVE domain containing 3; minus strand), WDFY3-AS1 (WDFY3 antisense RNA 1; plus strand). Cytogenetic location: 4q21.23.
Variant type: single nucleotide variant.
Coding change: c.2098C>G on transcript NM_014991.6 (MANE Select); coding-DNA position 2098, C replaced by G.
Protein change: p.Pro700Ala; replaces proline 700 with alanine.
Molecular consequence: missense variant. On other transcripts: non-coding transcript variant (1).
Genome position (GRCh38, 1-based): chr4:84,810,134, G>C on the plus strand (C>G on the coding strand, the complement: WDFY3 is on the minus strand). VCF-style: chr4-84810134-G-C. GRCh37 (hg19) VCF-style: chr4-85731287-G-C.
Other names: short protein forms P700A.
Identifiers: ClinVar variation 3363986 (VCV003363986.1).
Genomic context (GRCh38, chr4:84,810,134, plus strand): 5'-GAACAGCATCTGCCAACTTCTCATACTGAATCTCTGTTTTGAAGAAATGAGAGTTGGCTG[G>C]CTCATAGCGCATTGCTGCAGTCAACGTGCAGAACACAGTGTGAAGAAGTTCAAACACTTG-3'
Protein context (NP_055806.2, residues 690-710): CTLTAAMRYE[Pro700Ala]ANSHFFKTEI

ClinVar aggregate classification (germline): Uncertain significance (1 of 4 stars; one submission).

Submission:

GeneDx
Classification: Uncertain significance. Last evaluated: 2023-11-06. Review status: criteria provided, single submitter. Criteria: GeneDx Variant Classification Process June 2021. Collection method: clinical testing. Allele origin: germline. Affected: yes.
Comment: Not observed at significant frequency in large population cohorts (gnomAD); In silico analysis supports that this missense variant has a deleterious effect on protein structure/function; Has not been previously published as pathogenic or benign to our knowledge